The following is an entry in ClinVar:

ClinVar aggregate classification (germline): Uncertain significance (1 of 4 stars; one submission).

gnomAD v4.1: 1 of 1,614,098 alleles (0.000062%); highest among the groups gnomAD compares: East Asian, 0.0022%; no homozygotes.

Submission:

Women's Health and Genetics/Laboratory Corporation of America, LabCorp
Classification: Uncertain significance. Last evaluated: 2024-07-31. Review status: criteria provided, single submitter. Criteria: LabCorp Variant Classification Summary - May 2015. Collection method: clinical testing. Allele origin: germline.
Comment: Variant summary: SRRM2 c.4930G>A (p.Gly1644Ser) results in a non-conservative amino acid change in the encoded protein sequence. Four of five in-silico tools predict a benign effect of the variant on protein function. The variant was absent in 251348 control chromosomes. The available data on variant occurrences in the general population are insufficient to allow any conclusion about variant significance. To our knowledge, no occurrence of c.4930G>A in individuals affected with Intellectual Developmental Disorder, Autosomal Dominant 72 and no experimental evidence demonstrating its impact on protein function have been reported. No submitters have cited clinical-significance assessments for this variant to ClinVar. Based on the evidence outlined above, the variant was classified as uncertain significance.

NM_016333.4(SRRM2):c.4930G>A (p.Gly1644Ser)

Gene: SRRM2 (serine/arginine repetitive matrix 2; plus strand). Cytogenetic location: 16p13.3.
Variant type: single nucleotide variant.
Coding change: c.4930G>A on transcript NM_016333.4 (MANE Select); coding-DNA position 4930, G replaced by A.
Protein change: p.Gly1644Ser; replaces glycine 1644 with serine.
Molecular consequence: missense variant.
Genome position (GRCh38, 1-based): chr16:2,765,458, G>A. VCF-style: chr16-2765458-G-A. GRCh37 (hg19) VCF-style: chr16-2815459-G-A.
Other names: short protein forms G1644S.
Identifiers: ClinVar variation 3339349 (VCV003339349.1).
Genomic context (GRCh38, chr16:2,765,458, plus strand): 5'-CCTAAAGCTCCAGCCCCTCGGGCCCTTCCCAGACGAAGCAGATCAGGTTCATCAAGCAAA[G>A]GCAGAGGCCCTTCTCCTGAAGGAAGCAGCAGTACCGAGTCCTCTCCTGAACATCCGCCCA-3'
Protein context (NP_057417.3, residues 1634-1654): RRSRSGSSSK[Gly1644Ser]RGPSPEGSSS